The following is an entry in ClinVar:

ClinVar aggregate classification (germline): Uncertain significance (1 of 4 stars; one submission).

Submission:

Women's Health and Genetics/Laboratory Corporation of America, LabCorp
Classification: Uncertain significance. Last evaluated: 2026-05-13. Review status: criteria provided, single submitter. Criteria: LabCorp Variant Classification Summary - May 2015. Collection method: clinical testing. Allele origin: germline.
Comment: Variant summary: ZNF469 c.786C>G (p.Ser262Arg) results in a non-conservative amino acid change in the encoded protein sequence. Algorithms developed to predict the effect of missense changes on protein structure and function are either unavailable or do not agree on the potential impact of this missense change. The variant was absent in 152700 control chromosomes. The available data on variant occurrences in the general population are insufficient to allow any conclusion about variant significance. To our knowledge, no occurrence of c.786C>G in individuals affected with ZNF469-related conditions and no experimental evidence demonstrating its impact on protein function have been reported. No submitters have cited clinical-significance assessments for this variant to ClinVar. Based on the evidence outlined above, the variant was classified as uncertain significance.

NM_001367624.2(ZNF469):c.786C>G (p.Ser262Arg)

Gene: ZNF469 (zinc finger protein 469; plus strand). Cytogenetic location: 16q24.2.
Variant type: single nucleotide variant.
Coding change: c.786C>G on transcript NM_001367624.2 (MANE Select); coding-DNA position 786, C replaced by G.
Protein change: p.Ser262Arg; replaces serine 262 with arginine.
Molecular consequence: missense variant.
Genome position (GRCh38, 1-based): chr16:88,428,256, C>G. VCF-style: chr16-88428256-C-G. GRCh37 (hg19) VCF-style: chr16-88494664-C-G.
Other names: short protein forms S262R.
Identifiers: ClinVar variation 4853126 (VCV004853126.1).
Genomic context (GRCh38, chr16:88,428,256, plus strand): 5'-CTTCCCAGGTGCTAATTTCGGGGTTCCCCCCGCCGAGCCGGAACCTATTCCCAAAGGCAG[C>G]AGGCCCGGCGGCAGCCCCAGGGGAGTTTCCTTCCAGTTCCCCTTCCCGGCACTGCATGGG-3'
Protein context (NP_001354553.1, residues 252-272): PAEPEPIPKG[Ser262Arg]RPGGSPRGVS